The following is an entry in ClinVar:

ClinVar aggregate classification (germline): Conflicting classifications of pathogenicity. Review status: criteria provided, conflicting classifications (1 of 4 stars). 2 submissions from 2 submitters: Uncertain significance (1); Likely benign (1). Last evaluated 2024-09-20.

Conditions:
Inborn genetic diseases. Identifiers: MedGen C0950123, MeSH D030342.
Snijders Blok-Campeau syndrome. Also called: INTELLECTUAL DEVELOPMENTAL DISORDER WITH MACROCEPHALY, SPEECH DELAY, AND DYSMORPHIC FACIES. Identifiers: Orphanet 599082, MedGen C4748701, MONDO:0032600, OMIM 618205.

Submissions (2):

3billion
Classification: Likely benign for Snijders Blok-Campeau syndrome. Last evaluated: 2024-09-20. Review status: criteria provided, single submitter. Criteria: ACMG Guidelines, 2015. Collection method: clinical testing. Allele origin: germline. Affected: no.
Comment: The variant was identified in at least one patient who was diagnosed with a different variant in another gene and showed no symptoms related to the gene containing the variant in question.

Ambry Genetics
Classification: Uncertain significance for Inborn genetic diseases. Last evaluated: 2023-06-22. Review status: criteria provided, single submitter. Criteria: Ambry Variant Classification Scheme 2023. Collection method: clinical testing. Allele origin: germline.

NM_001005273.3(CHD3):c.5941G>A (p.Val1981Met)

Gene: CHD3 (chromodomain helicase DNA binding protein 3; plus strand). Cytogenetic location: 17p13.1.
Variant type: single nucleotide variant.
Coding change: c.5941G>A on transcript NM_001005273.3 (MANE Select); coding-DNA position 5941, G replaced by A.
Protein change: p.Val1981Met; replaces valine 1981 with methionine.
Molecular consequence: missense variant.
Genome position (GRCh38, 1-based): chr17:7,911,523, G>A. VCF-style: chr17-7911523-G-A. GRCh37 (hg19) VCF-style: chr17-7814841-G-A.
Other names: c.6118G>A, p.Val2040Met (NM_001005271.3); c.5839G>A, p.Val1947Met (NM_005852.4); short protein forms V1947M, V2040M, V1981M.
Identifiers: ClinVar variation 2605652 (VCV002605652.3), dbSNP rs1248531611, ClinGen allele CA397952015.
Genomic context (GRCh38, chr17:7,911,523, plus strand): 5'-GCCGCCACCAACGGCCCTCCAGTGCTTGTGAAGAAGGAGAAGGAAATGGTGGGGGCATTG[G>A]TGTCAGACGGGCTGGATCGGAAGGAGCCCCGAGCCGGGGAGGTGATCTGTATAGACGACT-3'
Protein context (NP_001005273.1, residues 1971-1991): KKEKEMVGAL[Val1981Met]SDGLDRKEPR